The following is an entry in ClinVar:

ClinVar aggregate classification (germline): Pathogenic (1 of 4 stars; one submission).

Conditions:
Autosomal recessive ataxia, Beauce type. Also called: SYNE1 Deficiency; Spinocerebellar ataxia, autosomal recessive 8; ATAXIA, RECESSIVE, OF BEAUCE; SYNE1-Related Autosomal Recessive Cerebellar Ataxia. Identifiers: Orphanet 88644, MedGen C1853116, MONDO:0012549, OMIM 610743.

Submission:

Victorian Clinical Genetics Services, Murdoch Childrens Research Institute
Classification: Pathogenic for Autosomal recessive ataxia, Beauce type. Last evaluated: 2021-05-06. Review status: criteria provided, single submitter. Criteria: ACMG Guidelines, 2015. Collection method: clinical testing. Allele origin: germline. Inheritance: Autosomal recessive inheritance. Affected: yes.
Comment: Based on the classification scheme VCGS_Germline_v1.3.4, this variant is classified as Pathogenic. Following criteria are met: 0102 - Loss of function is a known mechanism of disease in this gene and is associated with autosomal recessive spinocerebellar ataxia 8 (MIM#610743). (I) 0108 - This gene is associated with both recessive and dominant disease. Heterozygous variants result in Emery-Dreifuss muscular dystrophy 4 (MIM#612998), whereas biallelic variants can cause either myogenic type arthrogryposis multiplex congenita 3 (MIM#618484) or spinocerebellar ataxia 8 (MIM#610743). Recessive variants causing arthrogryposis typically truncate the C-terminal KASH domain in the muscle-specific isoform, whereas spinocerebellar ataxia variants affect the larger isoform (OMIM). (I) 0201 - Variant is predicted to cause nonsense-mediated decay (NMD) and loss of protein (premature termination codon is located at least 54 nucleotides upstream of the final exon-exon junction). (SP) 0251 - This variant is heterozygous. (I) 0301 - Variant is absent from gnomAD (both v2 and v3). (SP) 0701 - Other NMD-predicted variants comparable to the one identified in this case have very strong previous evidence for pathogenicity. Many other loss of function variants have previously been reported as pathogenic in multiple individuals with autosomal recessive spinocerebellar ataxia 8 (MIM#610743) (ClinVar, PMID: 27086870). (SP) 0807 - This variant has no previous evidence of pathogenicity. (I) 0905 - No published segregation evidence has been identified for this variant. (I) 1007 - No published functional evidence has been identified for this variant. (I) Legend: (SP) - Supporting pathogenic, (I) - Information, (SB) - Supporting benign

Literature cited by the submitters: PubMed 27086870.

NM_182961.4(SYNE1):c.25271_25273delinsA (p.Leu8424fs)

Gene: SYNE1 (spectrin repeat containing nuclear envelope protein 1; minus strand). Cytogenetic location: 6q25.2.
Variant type: Indel.
Coding change: c.25271_25273delinsA on transcript NM_182961.4 (MANE Select); coding-DNA positions 25271 to 25273, TCC replaced by A.
Protein change: p.Leu8424fs; shifts the reading frame from leucine 8424.
Molecular consequence: frameshift variant.
Genome position (GRCh38, 1-based): chr6:152,140,135-152,140,137, GGA replaced by T on the plus strand (TCC replaced by A on the coding strand, the reverse complement: SYNE1 is on the minus strand). VCF-style: chr6-152140135-GGA-T. GRCh37 (hg19) VCF-style: chr6-152461270-GGA-T.
Other names: c.1877_1879delinsA, p.Leu626fs (NM_001347701.2); c.1805_1807delinsA, p.Leu602fs (NM_001347702.2); c.25127_25129delinsA, p.Leu8376fs (NM_033071.5); short protein forms L602fs, L626fs, L8376fs, L8424fs.
Identifiers: ClinVar variation 3376894 (VCV003376894.1).